The following is an entry in ClinVar:

ClinVar aggregate classification (germline): Uncertain significance (0 of 4 stars; one submission).

Conditions:
NCOA1-related disorder. Also called: NCOA1-related condition.

gnomAD v4.1: 26 of 1,613,906 alleles (0.0016%); highest among the groups gnomAD compares: Non-Finnish European, 0.0022%; no homozygotes.

Submission:

PreventionGenetics, part of Exact Sciences
Classification: Uncertain significance for NCOA1-related condition. Last evaluated: 2023-12-05. Review status: no assertion criteria provided. Collection method: clinical testing. Allele origin: germline.
Comment: The NCOA1 c.649C>T variant is predicted to result in the amino acid substitution p.Arg217Cys. To our knowledge, this variant has not been reported in the literature. This variant is reported in 0.0023% of alleles in individuals of European (Non-Finnish) descent in gnomAD. At this time, the clinical significance of this variant is uncertain due to the absence of conclusive functional and genetic evidence.

NM_003743.5(NCOA1):c.649C>T (p.Arg217Cys)

Gene: NCOA1 (nuclear receptor coactivator 1; plus strand). Cytogenetic location: 2p23.3.
Variant type: single nucleotide variant.
Coding change: c.649C>T on transcript NM_003743.5 (MANE Select); coding-DNA position 649, C replaced by T.
Protein change: p.Arg217Cys; replaces arginine 217 with cysteine.
Molecular consequence: missense variant.
Genome position (GRCh38, 1-based): chr2:24,691,597, C>T. VCF-style: chr2-24691597-C-T. GRCh37 (hg19) VCF-style: chr2-24914466-C-T.
Other names: c.649C>T, p.Arg217Cys (NM_001362950.1, NM_001362952.1, NM_001362954.1 and 3 more transcripts); short protein forms R217C.
Identifiers: ClinVar variation 3357532 (VCV003357532.1).